The following is an entry in ClinVar:

NM_001184.4(ATR):c.1010T>C (p.Leu337Pro)

Gene: ATR (ATR checkpoint kinase; minus strand). Cytogenetic location: 3q23.
Variant type: single nucleotide variant.
Coding change: c.1010T>C on transcript NM_001184.4 (MANE Select); coding-DNA position 1010, T replaced by C.
Protein change: p.Leu337Pro; replaces leucine 337 with proline.
Molecular consequence: missense variant.
Genome position (GRCh38, 1-based): chr3:142,562,392, A>G on the plus strand (T>C on the coding strand, the complement: ATR is on the minus strand). VCF-style: chr3-142562392-A-G. GRCh37 (hg19) VCF-style: chr3-142281234-A-G.
Other names: c.1010T>C, p.Leu337Pro (NM_001354579.2); short protein forms L337P.
Identifiers: ClinVar variation 1728606 (VCV001728606.4), dbSNP rs933786614, ClinGen allele CA84755558.

ClinVar aggregate classification (germline): Uncertain significance. Review status: criteria provided, single submitter (1 of 4 stars). 2 submissions from 2 submitters: Uncertain significance (1). 1 of the submissions does not count toward it. Last evaluated 2024-06-13.

Conditions:
ATR-related disorder. Also called: ATR-related condition.
Inborn genetic diseases. Identifiers: MedGen C0950123, MeSH D030342.

Allele frequency attached by ClinVar (database versions not stated): gnomAD exomes below 0.00001; gnomAD 0.00001; TOPMed 0.00001.
gnomAD v4.1: 3 of 1,614,036 alleles (0.00019%); highest among the groups gnomAD compares: African/African-American, 0.0027%; no homozygotes.

Submissions (2):

Ambry Genetics
Classification: Uncertain significance for Inborn genetic diseases. Last evaluated: 2024-06-13. Review status: criteria provided, single submitter. Criteria: Ambry Variant Classification Scheme 2023. Collection method: clinical testing. Allele origin: germline.
Comment: The p.L337P variant (also known as c.1010T>C), located in coding exon 4 of the ATR gene, results from a T to C substitution at nucleotide position 1010. The leucine at codon 337 is replaced by proline, an amino acid with similar properties. This amino acid position is conserved. In addition, this alteration is predicted to be deleterious by in silico analysis. Since supporting evidence is limited at this time, the clinical significance of this alteration remains unclear.

PreventionGenetics, part of Exact Sciences
Classification: Uncertain significance for ATR-related condition. Last evaluated: 2024-03-21. Review status: no assertion criteria provided. Collection method: clinical testing. Allele origin: germline. Not counted in ClinVar's aggregate classification.
Comment: The ATR c.1010T>C variant is predicted to result in the amino acid substitution p.Leu337Pro. To our knowledge, this variant has not been reported in the literature or in a large population database, indicating this variant is rare. At this time, the clinical significance of this variant is uncertain due to the absence of conclusive functional and genetic evidence.